The following is an entry in ClinVar:

ClinVar aggregate classification (germline): Uncertain significance. Review status: criteria provided, single submitter (1 of 4 stars). 2 submissions from 2 submitters: Uncertain significance (1). 1 of the submissions does not count toward it. Last evaluated 2021-08-28.

Conditions:
Maple syrup urine disease (MSUD). Identifiers: Orphanet 511, MedGen C0024776, MeSH D008375, MONDO:0009563. Disease mechanism: loss of function.
Maple syrup urine disease type 1B (MSUD1B). Also called: MSUD type IB; MSUD type 3 (formerly); MSUD due to deficiency of e1-beta subunit of branched-chain alpha-keto acid dehydrogenase complex. Identifiers: MedGen C2930990, MONDO:0023692, OMIM 620698.

Allele frequency attached by ClinVar (database versions not stated): gnomAD exomes 0.00001; ExAC 0.00002.
gnomAD v4.1: 1 of 1,612,712 alleles (0.000062%); highest among the groups gnomAD compares: East Asian, 0.0022%; no homozygotes.

Submissions (2):

Labcorp Genetics (formerly Invitae), Labcorp
Classification: Uncertain significance for Maple syrup urine disease. Last evaluated: 2021-08-28. Review status: criteria provided, single submitter. Criteria: Invitae Variant Classification Sherloc (09022015). Collection method: clinical testing. Allele origin: germline.
Comment: This sequence change replaces serine with phenylalanine at codon 289 of the BCKDHB protein (p.Ser289Phe). The serine residue is weakly conserved and there is a large physicochemical difference between serine and phenylalanine. This variant is present in population databases (rs762438504, ExAC 0.02%). This variant has not been reported in the literature in individuals affected with BCKDHB-related conditions. Algorithms developed to predict the effect of missense changes on protein structure and function are either unavailable or do not agree on the potential impact of this missense change (SIFT: "Deleterious"; PolyPhen-2: "Benign"; Align-GVGD: "Class C0"). In summary, the available evidence is currently insufficient to determine the role of this variant in disease. Therefore, it has been classified as a Variant of Uncertain Significance.

Natera, Inc.
Classification: Uncertain significance for Maple syrup urine disease type 1B. Last evaluated: 2021-02-25. Review status: no assertion criteria provided. Collection method: clinical testing. Allele origin: germline. Not counted in ClinVar's aggregate classification.

NM_183050.4(BCKDHB):c.866C>T (p.Ser289Phe)

Gene: BCKDHB (branched chain keto acid dehydrogenase E1 subunit beta; plus strand). Cytogenetic location: 6q14.1.
Variant type: single nucleotide variant.
Coding change: c.866C>T on transcript NM_183050.4 (MANE Select); coding-DNA position 866, C replaced by T.
Protein change: p.Ser289Phe; replaces serine 289 with phenylalanine.
Molecular consequence: missense variant. On other transcripts: non-coding transcript variant (1).
Genome position (GRCh38, 1-based): chr6:80,203,127, C>T. VCF-style: chr6-80203127-C-T. GRCh37 (hg19) VCF-style: chr6-80912844-C-T.
Other names: c.866C>T, p.Ser289Phe (NM_000056.5); c.656C>T, p.Ser219Phe (NM_001318975.1); short protein forms S219F, S289F.
Identifiers: ClinVar variation 1044868 (VCV001044868.7), dbSNP rs762438504, ClinGen allele CA3902789.